The following is an entry in ClinVar:

NM_001395159.1(UNC79):c.3877G>A (p.Gly1293Arg)

Gene: UNC79 (unc-79 subunit of NALCN channel complex; plus strand). Cytogenetic location: 14q32.12.
Variant type: single nucleotide variant.
Coding change: c.3877G>A on transcript NM_001395159.1 (MANE Select); coding-DNA position 3877, G replaced by A.
Protein change: p.Gly1293Arg; replaces glycine 1293 with arginine.
Molecular consequence: missense variant.
Genome position (GRCh38, 1-based): chr14:93,612,853, G>A. VCF-style: chr14-93612853-G-A. GRCh37 (hg19) VCF-style: chr14-94079199-G-A.
Other names: c.3811G>A, p.Gly1271Arg (NM_001346218.2); c.3280G>A, p.Gly1094Arg (NM_020818.5); short protein forms G1271R, G1094R, G1293R.
Identifiers: ClinVar variation 4991435 (VCV004991435.1).

ClinVar aggregate classification (germline): Uncertain significance (1 of 4 stars; one submission).

Conditions:
UNC79-related disorder. Also called: UNC79-related condition.

Submission:

PreventionGenetics, part of Exact Sciences
Classification: Uncertain significance for UNC79-related condition. Last evaluated: 2026-07-10. Review status: criteria provided, single submitter. Criteria: ACMG Guidelines, 2015. Collection method: clinical testing. Allele origin: germline.
Comment: The UNC79 c.3811G>A variant is predicted to result in the amino acid substitution p.Gly1271Arg. To our knowledge, this variant has not been reported in the literature or in a large population database (gnomAD), indicating this variant is rare. At this time, the clinical significance of this variant is uncertain due to the absence of conclusive functional and genetic evidence.